The following is an entry in ClinVar:

ClinVar aggregate classification (germline): Likely benign (1 of 4 stars; one submission).

Allele frequency attached by ClinVar (database versions not stated): ExAC 0.00003; TOPMed 0.00008; gnomAD exomes 0.00009 and 0.00010; 1000 Genomes Project 30x 0.00031.
gnomAD v4.1: 129 of 1,613,030 alleles (0.008%); highest among the groups gnomAD compares: Admixed American, 0.045%; no homozygotes.

Submission:

GeneDx
Classification: Likely benign. Last evaluated: 2015-12-22. Review status: criteria provided, single submitter. Criteria: GeneDx Variant Classification (06012015). Collection method: clinical testing. Allele origin: germline. Affected: yes.
Comment: This variant is considered likely benign or benign based on one or more of the following criteria: it is a conservative change, it occurs at a poorly conserved position in the protein, it is predicted to be benign by multiple in silico algorithms, and/or has population frequency not consistent with disease.

NM_002834.5(PTPN11):c.137+49A>T

Gene: PTPN11 (protein tyrosine phosphatase non-receptor type 11; plus strand). Cytogenetic location: 12q24.13.
Variant type: single nucleotide variant.
Coding change: c.137+49A>T on transcript NM_002834.5 (MANE Select); 49 bases into the intron after coding-DNA position 137, A replaced by T.
Molecular consequence: intron variant.
Genome position (GRCh38, 1-based): chr12:112,446,447, A>T. VCF-style: chr12-112446447-A-T. GRCh37 (hg19) VCF-style: chr12-112884251-A-T.
Other names: c.137+49A>T (NM_001330437.2, NM_001374625.1, NM_080601.3).
Identifiers: ClinVar variation 379233 (VCV000379233.1), dbSNP rs761259292, ClinGen allele CA6798523.